The following is an entry in ClinVar:

ClinVar aggregate classification (germline): Uncertain significance (1 of 4 stars; one submission).

Submission:

Labcorp Genetics (formerly Invitae), Labcorp
Classification: Uncertain significance. Last evaluated: 2024-03-13. Review status: criteria provided, single submitter. Criteria: Invitae Variant Classification Sherloc (09022015). Collection method: clinical testing. Allele origin: germline.
Comment: This sequence change falls in intron 18 of the EMC1 gene. It does not directly change the encoded amino acid sequence of the EMC1 protein. It affects a nucleotide within the consensus splice site. This variant is not present in population databases (gnomAD no frequency). This variant has not been reported in the literature in individuals affected with EMC1-related conditions. ClinVar contains an entry for this variant (Variation ID: 2018226). Variants that disrupt the consensus splice site are a relatively common cause of aberrant splicing (PMID: 17576681, 9536098). Algorithms developed to predict the effect of sequence changes on RNA splicing suggest that this variant may disrupt the consensus splice site. In summary, the available evidence is currently insufficient to determine the role of this variant in disease. Therefore, it has been classified as a Variant of Uncertain Significance.

Literature cited by the submitters: PubMed 17576681; PubMed 9536098.

NM_015047.3(EMC1):c.2202+3A>G

Genes: EMC1 (ER membrane protein complex subunit 1; minus strand), EMC1-AS1 (EMC1 antisense RNA 1; plus strand). Cytogenetic location: 1p36.13.
Variant type: single nucleotide variant.
Coding change: c.2202+3A>G on transcript NM_015047.3 (MANE Select); 3 bases into the intron after coding-DNA position 2202, A replaced by G.
Molecular consequence: intron variant.
Genome position (GRCh38, 1-based): chr1:19,227,310, T>C on the plus strand (A>G on the coding strand, the complement: EMC1 is on the minus strand). VCF-style: chr1-19227310-T-C. GRCh37 (hg19) VCF-style: chr1-19553804-T-C.
Other names: c.2211+3A>G (NM_001375820.1); c.2136+3A>G (NM_001271429.2); c.2199+3A>G (NM_001271427.2, NM_001271428.2); c.2208+3A>G (NM_001375821.1).
Identifiers: ClinVar variation 2018226 (VCV002018226.4), dbSNP rs2536696705, ClinGen allele CA2574244200.
Genomic context (GRCh38, chr1:19,227,310, plus strand): 5'-TGAAGCCCTTGTTTTCCTGATTCGAAAGCCCTTGCTGTAGACCAGACAGCTGGCTGTATG[T>C]ACCTTGTAGAGCACACTGCGGTCCCCCATCACACGGCCCTGGGAATGAACGTGCTCACTG-3'